The following is an entry in ClinVar:

ClinVar aggregate classification (germline): Uncertain significance. Review status: criteria provided, multiple submitters, no conflicts (2 of 4 stars). 2 submissions from 2 submitters: Uncertain significance (2). Last evaluated 2024-09-23.

Allele frequency attached by ClinVar (database versions not stated): gnomAD exomes 0.00001; ESP Exome Variant Server 0.00274.
gnomAD v4.1: 1 of 1,504,902 alleles (0.000066%); highest among the groups gnomAD compares: Middle Eastern, 0.021%; no homozygotes.

Submissions (2):

Labcorp Genetics (formerly Invitae), Labcorp
Classification: Uncertain significance. Last evaluated: 2024-09-23. Review status: criteria provided, single submitter. Criteria: Invitae Variant Classification Sherloc (09022015). Collection method: clinical testing. Allele origin: germline.
Comment: This sequence change affects the initiator methionine of the ADSSL1 mRNA. The next in-frame methionine is located at codon 249. This variant is present in population databases (rs150558753, gnomAD 0.03%). This variant has not been reported in the literature in individuals affected with ADSSL1-related conditions. ClinVar contains an entry for this variant (Variation ID: 1681873). Experimental studies and prediction algorithms are not available or were not evaluated, and the functional significance of this variant is currently unknown. Algorithms developed to predict the effect of sequence changes on RNA splicing suggest that this variant may create or strengthen a splice site. In summary, the available evidence is currently insufficient to determine the role of this variant in disease. Therefore, it has been classified as a Variant of Uncertain Significance.

Breakthrough Genomics
Classification: Uncertain significance. Review status: criteria provided, single submitter. Criteria: ACMG Guidelines, 2015. Collection method: not provided. Allele origin: germline. Inheritance: Autosomal recessive inheritance. Affected: yes.

NM_152328.5(ADSS1):c.193-5125G>C

Gene: ADSS1 (adenylosuccinate synthase 1; plus strand). Cytogenetic location: 14q32.33.
Variant type: single nucleotide variant.
Coding change: c.193-5125G>C on transcript NM_152328.5 (MANE Select); 5125 bases into the intron before coding-DNA position 193, G replaced by C.
Molecular consequence: intron variant. On other transcripts: 5 prime UTR variant (1), missense variant (1), initiator codon variant (1).
Genome position (GRCh38, 1-based): chr14:104,729,895, G>C. VCF-style: chr14-104729895-G-C. GRCh37 (hg19) VCF-style: chr14-105196232-G-C.
Other names: c.-725G>C (NM_001320424.1); c.3G>C, p.Met1Ile (NM_199165.2); short protein forms M1I.
Identifiers: ClinVar variation 1681873 (VCV001681873.7), dbSNP rs150558753, ClinGen allele CA267335105.